The following is an entry in ClinVar:

ClinVar aggregate classification (germline): Uncertain significance (1 of 4 stars; one submission).

Conditions:
Hereditary cancer-predisposing syndrome. Also called: Neoplastic Syndromes, Hereditary; Hereditary Cancer Syndrome; Hereditary neoplastic syndrome; Tumor predisposition. Identifiers: Orphanet 140162, MedGen C0027672, MeSH D009386, MONDO:0015356.

Submission:

Ambry Genetics
Classification: Uncertain significance for Hereditary cancer-predisposing syndrome. Last evaluated: 2023-05-12. Review status: criteria provided, single submitter. Criteria: Ambry Variant Classification Scheme 2023. Collection method: clinical testing. Allele origin: germline.
Comment: The p.V334A variant (also known as c.1001T>C), located in coding exon 6 of the MEN1 gene, results from a T to C substitution at nucleotide position 1001. The valine at codon 334 is replaced by alanine, an amino acid with similar properties. This amino acid position is conserved. In addition, the in silico prediction for this alteration is inconclusive. Since supporting evidence is limited at this time, the clinical significance of this alteration remains unclear.

NM_001370259.2(MEN1):c.1001T>C (p.Val334Ala)

Gene: MEN1 (menin 1; minus strand). Cytogenetic location: 11q13.1.
Variant type: single nucleotide variant.
Coding change: c.1001T>C on transcript NM_001370259.2 (MANE Select); coding-DNA position 1001, T replaced by C.
Protein change: p.Val334Ala; replaces valine 334 with alanine.
Molecular consequence: missense variant. On other transcripts: non-coding transcript variant (4).
Genome position (GRCh38, 1-based): chr11:64,806,280, A>G on the plus strand (T>C on the coding strand, the complement: MEN1 is on the minus strand). VCF-style: chr11-64806280-A-G. GRCh37 (hg19) VCF-style: chr11-64573752-A-G.
Other names: c.1016T>C, p.Val339Ala (NM_000244.4, NM_001407145.1, NM_001407150.1 and 5 more transcripts); c.1001T>C, p.Val334Ala (NM_001370251.2, NM_001370260.2, NM_001370261.2 and 7 more transcripts); c.896T>C, p.Val299Ala (NM_001370262.2, NM_001370263.2, NM_001407148.1 and 2 more transcripts); short protein forms V299A, V334A, V339A.
Identifiers: ClinVar variation 2564984 (VCV002564984.2), dbSNP rs2497173738, ClinGen allele CA381183269.